The following is an entry in ClinVar:

NM_006445.4(PRPF8):c.1281C>T (p.Val427=)

Gene: PRPF8 (pre-mRNA processing factor 8; minus strand). Cytogenetic location: 17p13.3.
Variant type: single nucleotide variant.
Coding change: c.1281C>T on transcript NM_006445.4 (MANE Select); coding-DNA position 1281, C replaced by T.
Protein change: p.Val427=; no amino-acid change (valine 427 retained).
Molecular consequence: synonymous variant.
Genome position (GRCh38, 1-based): chr17:1,679,617, G>A on the plus strand (C>T on the coding strand, the complement: PRPF8 is on the minus strand). VCF-style: chr17-1679617-G-A. GRCh37 (hg19) VCF-style: chr17-1582911-G-A.
Other names: c.1281C>T (NM_006445.3).
Identifiers: ClinVar variation 1900495 (VCV001900495.6), dbSNP rs528335604, ClinGen allele CA8272403.

ClinVar aggregate classification (germline): Likely benign. Review status: criteria provided, multiple submitters, no conflicts (2 of 4 stars). 2 submissions from 2 submitters: Likely benign (2). Last evaluated 2024-10-25.

Conditions:
PRPF8-related disorder. Also called: PRPF8-related condition.

gnomAD v4.1: 23 of 1,613,334 alleles (0.0014%); highest among the groups gnomAD compares: Admixed American, 0.035%; no homozygotes.

Submissions (2):

PreventionGenetics, part of Exact Sciences
Classification: Likely benign for PRPF8-related condition. Last evaluated: 2024-10-25. Review status: criteria provided, single submitter. Criteria: ACMG Guidelines, 2015. Collection method: clinical testing. Allele origin: germline.
Comment: This variant is classified as likely benign based on ACMG/AMP sequence variant interpretation guidelines (Richards et al. 2015 PMID: 25741868, with internal and published modifications).

Labcorp Genetics (formerly Invitae), Labcorp
Classification: Likely benign. Last evaluated: 2024-10-17. Review status: criteria provided, single submitter. Criteria: Invitae Variant Classification Sherloc (09022015). Collection method: clinical testing. Allele origin: germline.